The following is an entry in ClinVar:

ClinVar aggregate classification (germline): Likely benign. Review status: criteria provided, single submitter (1 of 4 stars). 2 submissions from 2 submitters: Likely benign (1). 1 of the submissions does not count toward it. Last evaluated 2023-01-17.

Conditions:
Jeune thoracic dystrophy. Also called: Jeune syndrome; Infantile thoracic dystrophy; Thoracic pelvic phalangeal dystrophy; Jeune's syndrome; Chondroectodermal dysplasia-like syndrome; Short-rib thoracic dysplasia. Identifiers: Orphanet 474, MedGen C0265275, MONDO:0018770.
DYNC2H1-related disorder. Also called: DYNC2H1-related disorders; DYNC2H1-related condition. Identifiers: MedGen CN378770.

Allele frequency attached by ClinVar (database versions not stated): gnomAD exomes below 0.00001; gnomAD 0.00002; TOPMed 0.00003.
gnomAD v4.1: 4 of 1,553,788 alleles (0.00026%); highest among the groups gnomAD compares: African/African-American, 0.0027%; no homozygotes.

Submissions (2):

Labcorp Genetics (formerly Invitae), Labcorp
Classification: Likely benign for Jeune thoracic dystrophy. Last evaluated: 2023-01-17. Review status: criteria provided, single submitter. Criteria: Invitae Variant Classification Sherloc (09022015). Collection method: clinical testing. Allele origin: germline.

PreventionGenetics, part of Exact Sciences
Classification: Likely benign for DYNC2H1-related condition. Last evaluated: 2019-06-11. Review status: no assertion criteria provided. Collection method: clinical testing. Allele origin: germline. Not counted in ClinVar's aggregate classification.
Comment: This variant is classified as likely benign based on ACMG/AMP sequence variant interpretation guidelines (Richards et al. 2015 PMID: 25741868, with internal and published modifications).

NM_001377.3(DYNC2H1):c.12153C>T (p.Asn4051=)

Gene: DYNC2H1 (dynein cytoplasmic 2 heavy chain 1; plus strand). Cytogenetic location: 11q22.3.
Variant type: single nucleotide variant.
Coding change: c.12153C>T on transcript NM_001377.3 (MANE Select); coding-DNA position 12153, C replaced by T.
Protein change: p.Asn4051=; no amino-acid change (asparagine 4051 retained).
Molecular consequence: synonymous variant.
Genome position (GRCh38, 1-based): chr11:103,358,356, C>T. VCF-style: chr11-103358356-C-T. GRCh37 (hg19) VCF-style: chr11-103229084-C-T.
Other names: c.12174C>T (NM_001080463.1); c.12174C>T, p.Asn4058= (NM_001080463.2).
Identifiers: ClinVar variation 2173401 (VCV002173401.6), dbSNP rs993041251, ClinGen allele CA227423222.